The following is an entry in ClinVar:

ClinVar aggregate classification (germline): Uncertain significance (1 of 4 stars; one submission).

Conditions:
INVS-related disorder. Also called: INVS-related condition.

gnomAD v4.1: 1 of 1,613,500 alleles (0.000062%); highest among the groups gnomAD compares: Non-Finnish European, 0.000085%; no homozygotes.

Submission:

PreventionGenetics, part of Exact Sciences
Classification: Uncertain significance for INVS-related condition. Last evaluated: 2025-04-21. Review status: criteria provided, single submitter. Criteria: ACMG Guidelines, 2015. Collection method: clinical testing. Allele origin: germline.
Comment: The INVS c.3008A>C variant is predicted to result in the amino acid substitution p.Gln1003Pro. To our knowledge, this variant has not been reported in the literature or in a large population database (gnomAD), indicating this variant is rare. At this time, the clinical significance of this variant is uncertain due to the absence of conclusive functional and genetic evidence.

NM_014425.5(INVS):c.3008A>C (p.Gln1003Pro)

Gene: INVS (inversin; plus strand). Cytogenetic location: 9q31.1.
Variant type: single nucleotide variant.
Coding change: c.3008A>C on transcript NM_014425.5 (MANE Select); coding-DNA position 3008, A replaced by C.
Protein change: p.Gln1003Pro; replaces glutamine 1003 with proline.
Molecular consequence: missense variant. On other transcripts: non-coding transcript variant (1).
Genome position (GRCh38, 1-based): chr9:100,297,138, A>C. VCF-style: chr9-100297138-A-C. GRCh37 (hg19) VCF-style: chr9-103059420-A-C.
Other names: c.2720A>C, p.Gln907Pro (NM_001318381.2); c.2030A>C, p.Gln677Pro (NM_001318382.2); short protein forms Q1003P, Q907P, Q677P.
Identifiers: ClinVar variation 4985686 (VCV004985686.1).
Genomic context (GRCh38, chr9:100,297,138, plus strand): 5'-CCAAGAGTCCATCCAAGGGCACCTCAGGCACAAAGTCCACCAAGCACTCAGTGCTTAAGC[A>C]AATCTATGGTAACTGTCCTTCTGCCTACTTTGTAGTTCACAAGTACCCCCAGAGTACCAC-3'
Protein context (NP_055240.2, residues 993-1013): TKSTKHSVLK[Gln1003Pro]IYGCSHEGKI